The following is an entry in ClinVar:

NM_002439.5(MSH3):c.1658A>T (p.Asp553Val)

Gene: MSH3 (mutS homolog 3; plus strand). Cytogenetic location: 5q14.1.
Variant type: single nucleotide variant.
Coding change: c.1658A>T on transcript NM_002439.5 (MANE Select); coding-DNA position 1658, A replaced by T.
Protein change: p.Asp553Val; replaces aspartic acid 553 with valine.
Molecular consequence: missense variant.
Genome position (GRCh38, 1-based): chr5:80,744,510, A>T. VCF-style: chr5-80744510-A-T. GRCh37 (hg19) VCF-style: chr5-80040329-A-T.
Other names: short protein forms D553V.
Identifiers: ClinVar variation 2794941 (VCV002794941.3), dbSNP rs929319397, ClinGen allele CA360274625.
Genomic context (GRCh38, chr5:80,744,510, plus strand): 5'-CAATTTGGCACAAATAATTGTCTAGTTAATAAAACTTGTTTTCTGGTCTTTCTTAGACTG[A>T]TATGAAAACCAAAGGAAGTTTGCTGTGGGTTTTAGACCACACTAAAACTTCATTTGGGAG-3'
Protein context (NP_002430.3, residues 543-563): RNLEILQNQT[Asp553Val]MKTKGSLLWV

ClinVar aggregate classification (germline): Uncertain significance (1 of 4 stars; one submission).

Submission:

Labcorp Genetics (formerly Invitae), Labcorp
Classification: Uncertain significance. Last evaluated: 2023-02-22. Review status: criteria provided, single submitter. Criteria: Invitae Variant Classification Sherloc (09022015). Collection method: clinical testing. Allele origin: germline.
Comment: This variant has not been reported in the literature in individuals affected with MSH3-related conditions. This variant is not present in population databases (gnomAD no frequency). This sequence change replaces aspartic acid, which is acidic and polar, with valine, which is neutral and non-polar, at codon 553 of the MSH3 protein (p.Asp553Val). An algorithm developed to predict the effect of missense changes on protein structure and function (PolyPhen-2) suggests that this variant is likely to be disruptive. In summary, the available evidence is currently insufficient to determine the role of this variant in disease. Therefore, it has been classified as a Variant of Uncertain Significance.